The following is an entry in ClinVar:

NM_006612.6(KIF1C):c.2599C>T (p.Arg867Cys)

Gene: KIF1C (kinesin family member 1C; plus strand). Cytogenetic location: 17p13.2.
Variant type: single nucleotide variant.
Coding change: c.2599C>T on transcript NM_006612.6 (MANE Select); coding-DNA position 2599, C replaced by T.
Protein change: p.Arg867Cys; replaces arginine 867 with cysteine.
Molecular consequence: missense variant.
Genome position (GRCh38, 1-based): chr17:5,022,680, C>T. VCF-style: chr17-5022680-C-T. GRCh37 (hg19) VCF-style: chr17-4925975-C-T.
Other names: short protein forms R867C.
Identifiers: ClinVar variation 2195430 (VCV002195430.4), dbSNP rs747587135, ClinGen allele CA8319330.
Genomic context (GRCh38, chr17:5,022,680, plus strand): 5'-GTGAAGCTGCAGAACAGCAGCAAGGACCGGGAGCTGCAGGCCCTGCGGGACCGCATGCTC[C>T]GCATGGAGAGGGTCATCCCCCTGGCCCAGGTAGGACTGGCCTTCTGCCTCCCTTCTCTCC-3'
Protein context (NP_006603.2, residues 857-877): ELQALRDRML[Arg867Cys]MERVIPLAQD

ClinVar aggregate classification (germline): Uncertain significance (1 of 4 stars; one submission).

Conditions:
Spastic ataxia 2. Also called: Ataxia, spastic, 2, autosomal recessive. Identifiers: Orphanet 397946, MedGen C1969796, MONDO:0012651, OMIM 611302.

Allele frequency attached by ClinVar (database versions not stated): gnomAD exomes 0.00002; TOPMed 0.00003; ExAC 0.00004.
gnomAD v4.1: 22 of 1,569,314 alleles (0.0014%); highest among the groups gnomAD compares: Middle Eastern, 0.017%; no homozygotes.

Submission:

Labcorp Genetics (formerly Invitae), Labcorp
Classification: Uncertain significance for Spastic ataxia 2. Last evaluated: 2022-05-29. Review status: criteria provided, single submitter. Criteria: Invitae Variant Classification Sherloc (09022015). Collection method: clinical testing. Allele origin: germline.
Comment: This sequence change replaces arginine, which is basic and polar, with cysteine, which is neutral and slightly polar, at codon 867 of the KIF1C protein (p.Arg867Cys). This variant is present in population databases (rs747587135, gnomAD 0.007%). This variant has not been reported in the literature in individuals affected with KIF1C-related conditions. Algorithms developed to predict the effect of missense changes on protein structure and function are either unavailable or do not agree on the potential impact of this missense change (SIFT: "Deleterious"; PolyPhen-2: "Benign"; Align-GVGD: "Class C0"). In summary, the available evidence is currently insufficient to determine the role of this variant in disease. Therefore, it has been classified as a Variant of Uncertain Significance.